The following is an entry in ClinVar:

NM_006796.3(AFG3L2):c.1536A>C (p.Leu512Phe)

Gene: AFG3L2 (AFG3 like matrix AAA peptidase subunit 2; minus strand). Cytogenetic location: 18p11.21.
Variant type: single nucleotide variant.
Coding change: c.1536A>C on transcript NM_006796.3 (MANE Select); coding-DNA position 1536, A replaced by C.
Protein change: p.Leu512Phe; replaces leucine 512 with phenylalanine.
Molecular consequence: missense variant.
Genome position (GRCh38, 1-based): chr18:12,351,101, T>G on the plus strand (A>C on the coding strand, the complement: AFG3L2 is on the minus strand). VCF-style: chr18-12351101-T-G. GRCh37 (hg19) VCF-style: chr18-12351100-T-G.
Other names: short protein forms L512F.
Identifiers: ClinVar variation 392935 (VCV000392935.3), dbSNP rs768121027, ClinGen allele CA8896479.

ClinVar aggregate classification (germline): Uncertain significance. Review status: criteria provided, multiple submitters, no conflicts (2 of 4 stars). 2 submissions from 2 submitters: Uncertain significance (2). Last evaluated 2024-03-01.

Conditions:
Inborn genetic diseases. Identifiers: MedGen C0950123, MeSH D030342.

Allele frequency attached by ClinVar (database versions not stated): gnomAD exomes 0.00001; TOPMed 0.00001; ExAC 0.00002; gnomAD 0.00002.
gnomAD v4.1: 14 of 1,613,012 alleles (0.00087%); highest among the groups gnomAD compares: Non-Finnish European, 0.0012%; no homozygotes.

Submissions (2):

Ambry Genetics
Classification: Uncertain significance for Inborn genetic diseases. Last evaluated: 2024-03-01. Review status: criteria provided, single submitter. Criteria: Ambry Variant Classification Scheme 2023. Collection method: clinical testing. Allele origin: germline.

GeneDx
Classification: Uncertain significance. Last evaluated: 2017-01-20. Review status: criteria provided, single submitter. Criteria: GeneDx Variant Classification (06012015). Collection method: clinical testing. Allele origin: germline. Affected: yes.
Comment: The L512F variant has not been published as a pathogenic variant, nor has it been reported as a benign variant to our knowledge. The L512F variant was not observed in approximately 6,500 individuals of European and African American ancestry in the NHLBI Exome Sequencing Project, indicating it is not a common benign variant in these populations. The L512F variant is a conservative amino acid substitution, which is not likely to impact secondary protein structure as these residues share similar properties. This substitution occurs at a position that is conserved across species, and in silico analysis predicts this variant is probably damaging to the protein structure/function. In summary, based on the currently available information, it is unclear whether this variant is a pathogenic variant or a rare benign variant.